The following is an entry in ClinVar:

ClinVar aggregate classification (germline): Uncertain significance (1 of 4 stars; one submission).

Submission:

Labcorp Genetics (formerly Invitae), Labcorp
Classification: Uncertain significance. Last evaluated: 2022-09-06. Review status: criteria provided, single submitter. Criteria: Invitae Variant Classification Sherloc (09022015). Collection method: clinical testing. Allele origin: germline.
Comment: Algorithms developed to predict the effect of missense changes on protein structure and function are either unavailable or do not agree on the potential impact of this missense change (SIFT: "Tolerated"; PolyPhen-2: "Possibly Damaging"; Align-GVGD: "Class C0"). This variant has not been reported in the literature in individuals affected with FRMD7-related conditions. This variant is not present in population databases (gnomAD no frequency). This sequence change replaces proline, which is neutral and non-polar, with leucine, which is neutral and non-polar, at codon 341 of the FRMD7 protein (p.Pro341Leu). Algorithms developed to predict the effect of sequence changes on RNA splicing suggest that this variant may disrupt the consensus splice site. In summary, the available evidence is currently insufficient to determine the role of this variant in disease. Therefore, it has been classified as a Variant of Uncertain Significance.

NM_194277.3(FRMD7):c.1022C>T (p.Pro341Leu)

Gene: FRMD7 (FERM domain containing 7; minus strand). Cytogenetic location: Xq26.2.
Variant type: single nucleotide variant.
Coding change: c.1022C>T on transcript NM_194277.3 (MANE Select); coding-DNA position 1022, C replaced by T.
Protein change: p.Pro341Leu; replaces proline 341 with leucine.
Molecular consequence: missense variant.
Genome position (GRCh38, 1-based): chrX:132,080,034, G>A on the plus strand (C>T on the coding strand, the complement: FRMD7 is on the minus strand). VCF-style: chrX-132080034-G-A. GRCh37 (hg19) VCF-style: chrX-131214062-G-A.
Other names: c.977C>T, p.Pro326Leu (NM_001306193.2); short protein forms P326L, P341L.
Identifiers: ClinVar variation 1718780 (VCV001718780.5), dbSNP rs2520714140, ClinGen allele CA414680020.